The following is an entry in ClinVar:

NM_005629.4(SLC6A8):c.1596+6G>A

Gene: SLC6A8 (solute carrier family 6 member 8; plus strand). Cytogenetic location: Xq28.
Variant type: single nucleotide variant.
Coding change: c.1596+6G>A on transcript NM_005629.4 (MANE Select); 6 bases into the intron after coding-DNA position 1596, G replaced by A.
Molecular consequence: intron variant.
Genome position (GRCh38, 1-based): chrX:153,694,639, G>A. VCF-style: chrX-153694639-G-A. GRCh37 (hg19) VCF-style: chrX-152960094-G-A.
Other names: c.1566+6G>A (NM_001142805.2); c.1251+6G>A (NM_001142806.1).
Identifiers: ClinVar variation 1898666 (VCV001898666.2), dbSNP rs2091477920, ClinGen allele CA1138528877.

ClinVar aggregate classification (germline): Uncertain significance (1 of 4 stars; one submission).

Conditions:
Creatine transporter deficiency (CCDS1). Also called: Mental retardation , X-linked with seizures, short stature and midface hypoplasia; Mental retardation , X-linked, with creatine transport deficiency; X-linked creatine transporter deficiency; X-linked creatine deficiency syndrome; SLC6A8-Related Creatine Transporter Deficiency; CREATINE TRANSPORTER DEFECT. Identifiers: Orphanet 52503, MedGen C1845862, MONDO:0010305, OMIM 300352.

Allele frequency attached by ClinVar (database versions not stated): gnomAD exomes below 0.00001; TOPMed below 0.00001; gnomAD 0.00001.

Submission:

Labcorp Genetics (formerly Invitae), Labcorp
Classification: Uncertain significance for Creatine transporter deficiency. Last evaluated: 2022-07-22. Review status: criteria provided, single submitter. Criteria: Invitae Variant Classification Sherloc (09022015). Collection method: clinical testing. Allele origin: germline.
Comment: This sequence change falls in intron 11 of the SLC6A8 gene. It does not directly change the encoded amino acid sequence of the SLC6A8 protein. It affects a nucleotide within the consensus splice site. This variant is not present in population databases (gnomAD no frequency). This variant has not been reported in the literature in individuals affected with SLC6A8-related conditions. Variants that disrupt the consensus splice site are a relatively common cause of aberrant splicing (PMID: 17576681, 9536098). Algorithms developed to predict the effect of sequence changes on RNA splicing suggest that this variant is not likely to affect RNA splicing. In summary, the available evidence is currently insufficient to determine the role of this variant in disease. Therefore, it has been classified as a Variant of Uncertain Significance.

Literature cited by the submitters: PubMed 17576681; PubMed 9536098.